The following is an entry in ClinVar:

ClinVar aggregate classification (germline): Conflicting classifications of pathogenicity. Review status: criteria provided, conflicting classifications (1 of 4 stars). 5 submissions from 5 submitters: Uncertain significance (3); Likely benign (1). 1 of the submissions does not count toward it. Last evaluated 2024-10-29.

Conditions:
Cardiovascular phenotype. Identifiers: MedGen CN230736.
Alstrom syndrome (ALMS). Identifiers: Orphanet 64, MedGen C0268425, MONDO:0008763, OMIM 203800.

Allele frequency attached by ClinVar (database versions not stated): ExAC 0.00001; gnomAD exomes 0.00001; gnomAD 0.00002; TOPMed 0.00002.
gnomAD v4.1: 62 of 1,613,902 alleles (0.0038%); highest among the groups gnomAD compares: Non-Finnish European, 0.0052%; no homozygotes.

Submissions (5):

Labcorp Genetics (formerly Invitae), Labcorp
Classification: Uncertain significance for Alstrom syndrome. Last evaluated: 2024-10-29. Review status: criteria provided, single submitter. Criteria: Invitae Variant Classification Sherloc (09022015). Collection method: clinical testing. Allele origin: germline.
Comment: This sequence change replaces threonine, which is neutral and polar, with isoleucine, which is neutral and non-polar, at codon 546 of the ALMS1 protein (p.Thr546Ile). This variant is present in population databases (rs772068213, gnomAD 0.003%). This variant has not been reported in the literature in individuals affected with ALMS1-related conditions. ClinVar contains an entry for this variant (Variation ID: 390225). Experimental studies and prediction algorithms are not available or were not evaluated, and the functional significance of this variant is currently unknown. In summary, the available evidence is currently insufficient to determine the role of this variant in disease. Therefore, it has been classified as a Variant of Uncertain Significance.

Ambry Genetics
Classification: Likely benign for Cardiovascular phenotype. Last evaluated: 2023-11-03. Review status: criteria provided, single submitter. Criteria: Ambry Variant Classification Scheme 2023. Collection method: clinical testing. Allele origin: germline.

GeneDx
Classification: Uncertain significance. Last evaluated: 2022-12-07. Review status: criteria provided, single submitter. Criteria: GeneDx Variant Classification Process June 2021. Collection method: clinical testing. Allele origin: germline. Affected: yes.
Comment: Not observed at significant frequency in large population cohorts (gnomAD); In silico analysis supports that this missense variant does not alter protein structure/function; Has not been previously published as pathogenic or benign to our knowledge

Fulgent Genetics
Classification: Uncertain significance for Alstrom syndrome. Last evaluated: 2022-03-31. Review status: criteria provided, single submitter. Criteria: ACMG Guidelines, 2015. Collection method: clinical testing. Allele origin: unknown.

Natera, Inc.
Classification: Uncertain significance for Alstrom syndrome. Last evaluated: 2021-01-11. Review status: no assertion criteria provided. Collection method: clinical testing. Allele origin: germline. Not counted in ClinVar's aggregate classification.

NM_001378454.1(ALMS1):c.1634C>T (p.Thr545Ile)

Gene: ALMS1 (ALMS1 centrosome and basal body associated protein; plus strand). Cytogenetic location: 2p13.1.
Variant type: single nucleotide variant.
Coding change: c.1634C>T on transcript NM_001378454.1 (MANE Select); coding-DNA position 1634, C replaced by T.
Protein change: p.Thr545Ile; replaces threonine 545 with isoleucine.
Molecular consequence: missense variant.
Genome position (GRCh38, 1-based): chr2:73,448,161, C>T. VCF-style: chr2-73448161-C-T. GRCh37 (hg19) VCF-style: chr2-73675288-C-T.
Other names: c.1637C>T, p.Thr546Ile (NM_015120.4); short protein forms T546I, T545I.
Identifiers: ClinVar variation 390225 (VCV000390225.8), dbSNP rs772068213, ClinGen allele CA1713203.
Genomic context (GRCh38, chr2:73,448,161, plus strand): 5'-CTCTAGAAACTACTACTGGTCAACACACTGATACTCTCAACCAAAAGACATTAGCAGATA[C>T]TCATCTAACTGAAGAGACTCTGAAAGTCACAGCTATTCCTGAACCAGCTGACCAGAAGAC-3'
Protein context (NP_001365383.1, residues 535-555): DTLNQKTLAD[Thr545Ile]HLTEETLKVT